The following is an entry in ClinVar:

NM_001042492.3(NF1):c.3586C>G (p.Leu1196Val)

Gene: NF1 (neurofibromin 1; plus strand). Cytogenetic location: 17q11.2.
Variant type: single nucleotide variant.
Coding change: c.3586C>G on transcript NM_001042492.3 (MANE Select); coding-DNA position 3586, C replaced by G.
Protein change: p.Leu1196Val; replaces leucine 1196 with valine.
Molecular consequence: missense variant.
Genome position (GRCh38, 1-based): chr17:31,233,091, C>G. VCF-style: chr17-31233091-C-G. GRCh37 (hg19) VCF-style: chr17-29560109-C-G.
Other names: c.3586C>G, p.Leu1196Val (NM_000267.4); short protein forms L1196V.
Identifiers: ClinVar variation 547629 (VCV000547629.12), dbSNP rs1555615039, ClinGen allele CA398990190.

ClinVar aggregate classification (germline): Pathogenic/Likely pathogenic. Review status: criteria provided, multiple submitters, no conflicts (2 of 4 stars). 4 submissions from 4 submitters: Pathogenic (3); Likely pathogenic (1). Last evaluated 2026-09-11.

Conditions:
NF1-related disorder. Also called: NF1-related condition. Identifiers: MedGen CN379171.
Neurofibromatosis, type 1 (NF1). Also called: Peripheral type neurofibromatosis; NEUROFIBROMATOSIS, TYPE I, SOMATIC; Neurofibromatosis, type I; VON RECKLINGHAUSEN DISEASE. Identifiers: Orphanet 636, MedGen C0027831, MONDO:0018975, OMIM 162200. Disease mechanism: loss of function.

Submissions (4):

PreventionGenetics, part of Exact Sciences
Classification: Pathogenic for NF1-related condition. Last evaluated: 2026-09-11. Review status: criteria provided, single submitter. Criteria: ACMG Guidelines, 2015. Collection method: clinical testing. Allele origin: germline.
Comment: The NF1 c.3586C>G variant is predicted to result in the amino acid substitution p.Leu1196Val. This variant has been reported in individuals with neurofibromatosis type 1 (NF1, Table S2 in Bianchessi et al. 2015. PubMed ID: 26740943). This variant has not been reported in a large population database (gnomAD), indicating this variant is rare, and it is classified as pathogenic/likely pathogenic in the ClinVar database (Variation ID: 547629). Additionally, alternate missense changes impacting the same amino acid (p.Leu1196Arg and p.Leu1196Phe) have been reported in individuals with NF1-related disease (Hüffmeier et al. 2006. PubMed ID: 17103458; Croonen et al. 2012. PubMed ID: 22664660), with the p.Leu1196Phe reported to have occurred de novo in a patient with Noonan syndrome (Croonen et al. 2012. PubMed ID: 22664660). Taken together, the c.3586C>G (p.Leu1196Val) variant is interpreted as pathogenic.

GeneDx
Classification: Pathogenic. Last evaluated: 2026-06-01. Review status: criteria provided, single submitter. Criteria: GeneDx Variant Classification Process June 2021. Collection method: clinical testing. Allele origin: germline.
Comment: Observed in one patient in a cohort of individuals with clinical characteristics of neurofibromatosis type 1 (PMID: 26740943); Not observed at significant frequency in large population cohorts (gnomAD); In silico analysis indicates that this missense variant does not alter protein structure/function; This variant is associated with the following publications: (PMID: 26740943, 25486365, 22807134, 2121369)

Labcorp Genetics (formerly Invitae), Labcorp
Classification: Pathogenic for Neurofibromatosis, type 1. Last evaluated: 2025-03-13. Review status: criteria provided, single submitter. Criteria: Invitae Variant Classification Sherloc (09022015). Collection method: clinical testing. Allele origin: germline.
Comment: This sequence change replaces leucine, which is neutral and non-polar, with valine, which is neutral and non-polar, at codon 1196 of the NF1 protein (p.Leu1196Val). This variant is not present in population databases (gnomAD no frequency). This missense change has been observed in individual(s) with neurofibromatosis type 1 (PMID: 26740943; internal data). ClinVar contains an entry for this variant (Variation ID: 547629). Invitae Evidence Modeling of protein sequence and biophysical properties (such as structural, functional, and spatial information, amino acid conservation, physicochemical variation, residue mobility, and thermodynamic stability) has been performed for this missense variant. However, the output from this modeling did not meet the statistical confidence thresholds required to predict the impact of this variant on NF1 protein function. This variant disrupts the p.Leu1196 amino acid residue in NF1. Other variant(s) that disrupt this residue have been determined to be pathogenic (PMID: 23047742, 31776437; internal data). This suggests that this residue is clinically significant, and that variants that disrupt this residue are likely to be disease-causing. For these reasons, this variant has been classified as Pathogenic.

Center for Human Genetics, Inc
Classification: Likely pathogenic for Neurofibromatosis, type 1. Last evaluated: 2016-11-01. Review status: criteria provided, single submitter. Criteria: ACMG Guidelines, 2015. Collection method: clinical testing. Allele origin: germline. Affected: yes.

Literature cited by the submitters: PubMed 26740943 (cited by Labcorp Genetics (formerly Invitae), Labcorp); PubMed 23047742 (cited by Labcorp Genetics (formerly Invitae), Labcorp); PubMed 31776437 (cited by Labcorp Genetics (formerly Invitae), Labcorp).